The following is an entry in ClinVar:

ClinVar aggregate classification (germline): Uncertain significance (1 of 4 stars; one submission).

Conditions:
Immunodeficiency 25. Also called: Immunodeficiency due to defect in cd3-zeta, somatic. Identifiers: MedGen C1857798, MONDO:0012426, OMIM 610163.

Allele frequency attached by ClinVar (database versions not stated): gnomAD exomes below 0.00001; TOPMed 0.00004; gnomAD 0.00005.
gnomAD v4.1: 10 of 1,611,362 alleles (0.00062%); highest among the groups gnomAD compares: Admixed American, 0.0067%; no homozygotes.

Submission:

Labcorp Genetics (formerly Invitae), Labcorp
Classification: Uncertain significance for Immunodeficiency 25. Last evaluated: 2022-11-08. Review status: criteria provided, single submitter. Criteria: Invitae Variant Classification Sherloc (09022015). Collection method: clinical testing. Allele origin: germline.
Comment: In summary, the available evidence is currently insufficient to determine the role of this variant in disease. Therefore, it has been classified as a Variant of Uncertain Significance. Variants that disrupt the consensus splice site are a relatively common cause of aberrant splicing (PMID: 17576681, 9536098). Algorithms developed to predict the effect of sequence changes on RNA splicing suggest that this variant is not likely to affect RNA splicing. ClinVar contains an entry for this variant (Variation ID: 1025806). This variant has not been reported in the literature in individuals affected with CD247-related conditions. This variant is not present in population databases (gnomAD no frequency). This sequence change falls in intron 3 of the CD247 gene. It does not directly change the encoded amino acid sequence of the CD247 protein. It affects a nucleotide within the consensus splice site.

Literature cited by the submitters: PubMed 17576681; PubMed 9536098.

NM_198053.3(CD247):c.220-3T>C

Gene: CD247 (CD247 molecule; minus strand). Cytogenetic location: 1q24.2.
Variant type: single nucleotide variant.
Coding change: c.220-3T>C on transcript NM_198053.3 (MANE Select); 3 bases into the intron before coding-DNA position 220, T replaced by C.
Molecular consequence: intron variant.
Genome position (GRCh38, 1-based): chr1:167,438,653, A>G on the plus strand (T>C on the coding strand, the complement: CD247 is on the minus strand). VCF-style: chr1-167438653-A-G. GRCh37 (hg19) VCF-style: chr1-167407890-A-G.
Other names: c.220-3T>C (NM_000734.4); c.313-3T>C (NM_001378516.1, NM_001378515.1).
Identifiers: ClinVar variation 1025806 (VCV001025806.5), dbSNP rs369712780, ClinGen allele CA31992057.
Genomic context (GRCh38, chr1:167,438,653, plus strand): 5'-CCCGGCCACGTCTCTTGTCCAAAACATCGTACTCCTCTCTTCGTCCTAGATTGAGCTCCT[A>G]TAACAGATAAGAAAGTGTCAGACACAGGACGGAGGAACCTCAGAAGGATGGAGCCAGCTG-3'